The following is an entry in ClinVar:

NM_001267550.2(TTN):c.87358del (p.Ala29120fs)

Genes: TTN-AS1 (TTN antisense RNA 1; plus strand), TTN (titin; minus strand). Cytogenetic location: 2q31.2.
Variant type: Deletion.
Coding change: c.87358del on transcript NM_001267550.2 (MANE Select); coding-DNA position 87358, one base deleted (G; older notation c.87358delG).
Protein change: p.Ala29120fs; shifts the reading frame from alanine 29120.
Molecular consequence: frameshift variant.
Genome position (GRCh38, 1-based): chr2:178,557,996, C deleted on the plus strand (G on the coding strand, the reverse complement: TTN is on the minus strand). VCF-style (leftmost placement, unchanged base first): chr2-178557995-GC-G. GRCh37 (hg19) VCF-style: chr2-179422722-GC-G.
Other names: c.60538del, p.Ala20180fs (NM_133432.3); c.60739del, p.Ala20247fs (NM_133437.4); c.82435del, p.Ala27479fs (NM_001256850.1); c.60163del, p.Ala20055fs (NM_003319.4); c.79654del, p.Ala26552fs (NM_133378.4); short protein forms A20247fs, A26552fs, A27479fs, A29120fs, A20055fs, A20180fs.
Identifiers: ClinVar variation 4785036 (VCV004785036.1).
Genomic context (GRCh38, chr2:178,557,995, plus strand): 5'-GGACCAGGCCTGTCTAGCACAACAATGTTAATGAAAGCTTTGGTTGTACCACTGGAGTTG[GC>G]AGCAGTGATTTCATATCTCCCAGCGTCAGCTGTAACACTTTCTTTGAGATTGATGGTCAG-3'

ClinVar aggregate classification (germline): Likely pathogenic (1 of 4 stars; one submission).

Conditions:
Autosomal recessive limb-girdle muscular dystrophy type 2J (LGMDR10). Also called: Limb-girdle muscular dystrophy, type 2J; MUSCULAR DYSTROPHY, LIMB-GIRDLE, AUTOSOMAL RECESSIVE 10. Identifiers: Orphanet 140922, MedGen C1837342, MONDO:0012127, OMIM 608807.
Dilated cardiomyopathy 1G (CMD1G). Identifiers: Orphanet 154, MedGen C1858763, MONDO:0011400, OMIM 604145.

Submission:

Labcorp Genetics (formerly Invitae), Labcorp
Classification: Likely pathogenic for Dilated cardiomyopathy 1G; Autosomal recessive limb-girdle muscular dystrophy type 2J. Last evaluated: 2025-05-15. Review status: criteria provided, single submitter. Criteria: Invitae Variant Classification Sherloc (09022015). Collection method: clinical testing. Allele origin: germline.
Comment: This sequence change creates a premature translational stop signal (p.Ala29120Profs*16) in the TTN gene. While this is not anticipated to result in nonsense mediated decay, it is expected to create a truncated TTN protein. This variant is not present in population databases (gnomAD no frequency). This variant has not been reported in the literature in individuals affected with TTN-related conditions. This variant is located in the A band of TTN (PMID: 25589632). Truncating variants in this region are significantly overrepresented in patients affected with dilated cardiomyopathy (PMID: 25589632). Truncating variants in this region have also been reported in individuals affected with autosomal recessive centronuclear myopathy (PMID: 23975875). In summary, the currently available evidence indicates that the variant is pathogenic, but additional data are needed to prove that conclusively. Therefore, this variant has been classified as Likely Pathogenic.

Literature cited by the submitters: PubMed 25589632; PubMed 23975875.